The following is an entry in ClinVar:

ClinVar aggregate classification (germline): Conflicting classifications of pathogenicity. Review status: criteria provided, conflicting classifications (1 of 4 stars). 3 submissions from 3 submitters: Uncertain significance (2); Benign (1). Last evaluated 2025-12-15.

Conditions:
Retinal dystrophy. Also called: Inherited retinal dystrophy. Identifiers: Orphanet 71862, MedGen C0854723, MeSH D058499, MONDO:0019118, HP:0000556.

Allele frequency attached by ClinVar (database versions not stated): gnomAD exomes 0.00011 and 0.00016; TOPMed 0.00012; ExAC 0.00013; gnomAD 0.00013 and 0.00015; ESP Exome Variant Server 0.00025; 1000 Genomes Project 30x 0.00047.
gnomAD v4.1: 193 of 1,566,790 alleles (0.012%); highest among the groups gnomAD compares: East Asian, 0.13%; no homozygotes.

Submissions (3):

Labcorp Genetics (formerly Invitae), Labcorp
Classification: Uncertain significance. Last evaluated: 2025-12-15. Review status: criteria provided, single submitter. Criteria: Invitae Variant Classification Sherloc (09022015). Collection method: clinical testing. Allele origin: germline.
Comment: This sequence change replaces proline, which is neutral and non-polar, with leucine, which is neutral and non-polar, at codon 84 of the FSCN2 protein (p.Pro84Leu). This variant is present in population databases (rs373682711, gnomAD 0.1%), and has an allele count higher than expected for a pathogenic variant. This variant has not been reported in the literature in individuals affected with FSCN2-related conditions. ClinVar contains an entry for this variant (Variation ID: 857132). An algorithm developed to predict the effect of missense changes on protein structure and function (PolyPhen-2) suggests that this variant is likely to be disruptive. In summary, the available evidence is currently insufficient to determine the role of this variant in disease. Therefore, it has been classified as a Variant of Uncertain Significance.

Dept Of Ophthalmology, Nagoya University
Classification: Benign for Retinal dystrophy. Last evaluated: 2023-10-01. Review status: criteria provided, single submitter. Criteria: Submitter's publication. Collection method: research. Allele origin: germline. Affected: yes.

Ambry Genetics
Classification: Uncertain significance. Last evaluated: 2021-10-27. Review status: criteria provided, single submitter. Criteria: Ambry Variant Classification Scheme 2023. Collection method: clinical testing. Allele origin: germline.

NM_012418.4(FSCN2):c.251C>T (p.Pro84Leu)

Gene: FSCN2 (fascin actin-bundling protein 2, retinal; plus strand). Cytogenetic location: 17q25.3.
Variant type: single nucleotide variant.
Coding change: c.251C>T on transcript NM_012418.4 (MANE Select); coding-DNA position 251, C replaced by T.
Protein change: p.Pro84Leu; replaces proline 84 with leucine.
Molecular consequence: missense variant.
Genome position (GRCh38, 1-based): chr17:81,528,782, C>T. VCF-style: chr17-81528782-C-T. GRCh37 (hg19) VCF-style: chr17-79495808-C-T.
Other names: c.251C>T, p.Pro84Leu (NM_001077182.3); short protein forms P84L.
Identifiers: ClinVar variation 857132 (VCV000857132.10), dbSNP rs373682711, ClinGen allele CA8836624.
Genomic context (GRCh38, chr17:81,528,782, plus strand): 5'-ACCTGGGCCGCTACCTGTCGGCAGAAGAGGACGGGCGCGTGGCCTGTGAGGCAGAGCAGC[C>T]GGGCCGTGACTGCCGCTTCCTGGTCCTGCCGCAGCCAGATGGGCGCTGGGTGCTGCGGTC-3'
Protein context (NP_036550.1, residues 74-94): DGRVACEAEQ[Pro84Leu]GRDCRFLVLP